The following is an entry in ClinVar:

ClinVar aggregate classification (germline): Uncertain significance. Review status: criteria provided, single submitter (1 of 4 stars). 2 submissions from 2 submitters: Uncertain significance (1). 1 of the submissions does not count toward it. Last evaluated 2025-02-03.

Conditions:
Glycogen storage disease, type II (IOPD). Also called: Glucosidase acid-1,4-alpha deficiency; Pompe Disease; GLYCOGENOSIS, GENERALIZED, CARDIAC FORM; GSD II; POMPE DISEASE, INFANTILE-ONSET; GLYCOGEN STORAGE DISEASE II, INFANTILE-ONSET. Identifiers: Orphanet 365, MedGen C0017921, MONDO:0009290, OMIM 232300.

Submissions (2):

Labcorp Genetics (formerly Invitae), Labcorp
Classification: Uncertain significance for Glycogen storage disease, type II. Last evaluated: 2025-02-03. Review status: criteria provided, single submitter. Criteria: Invitae Variant Classification Sherloc (09022015). Collection method: clinical testing. Allele origin: germline.
Comment: This sequence change replaces valine, which is neutral and non-polar, with methionine, which is neutral and non-polar, at codon 628 of the GAA protein (p.Val628Met). The frequency data for this variant in the population databases is considered unreliable, as metrics indicate poor data quality at this position in the gnomAD database. This variant has not been reported in the literature in individuals affected with GAA-related conditions. ClinVar contains an entry for this variant (Variation ID: 576778). Invitae Evidence Modeling of protein sequence and biophysical properties (such as structural, functional, and spatial information, amino acid conservation, physicochemical variation, residue mobility, and thermodynamic stability) indicates that this missense variant is expected to disrupt GAA protein function with a positive predictive value of 95%. In summary, the available evidence is currently insufficient to determine the role of this variant in disease. Therefore, it has been classified as a Variant of Uncertain Significance.

Natera, Inc.
Classification: Uncertain significance for Glycogen storage disease type II. Last evaluated: 2019-10-28. Review status: no assertion criteria provided. Collection method: clinical testing. Allele origin: germline. Not counted in ClinVar's aggregate classification.

NM_000152.5(GAA):c.1882G>A (p.Val628Met)

Gene: GAA (alpha glucosidase; plus strand). Cytogenetic location: 17q25.3.
Variant type: single nucleotide variant.
Coding change: c.1882G>A on transcript NM_000152.5 (MANE Select); coding-DNA position 1882, G replaced by A.
Protein change: p.Val628Met; replaces valine 628 with methionine.
Molecular consequence: missense variant.
Genome position (GRCh38, 1-based): chr17:80,112,705, G>A. VCF-style: chr17-80112705-G-A. GRCh37 (hg19) VCF-style: chr17-78086504-G-A.
Other names: c.1882G>A (LRG_673t1); c.1882G>A, p.Val628Met (NM_001079803.3, NM_001079804.3); short protein forms V628M.
Identifiers: ClinVar variation 576778 (VCV000576778.11), dbSNP rs745911962, ClinGen allele CA8815507.